The following is an entry in ClinVar:

ClinVar aggregate classification (germline): Uncertain significance (1 of 4 stars; one submission).

Conditions:
Dilated cardiomyopathy 1JJ (CMD1JJ). Identifiers: Orphanet 154, MedGen C3808935, MONDO:0014095, OMIM 615235.

Allele frequency attached by ClinVar (database versions not stated): ExAC 0.00001; gnomAD exomes 0.00001 and 0.00002.
gnomAD v4.1: 14 of 1,612,670 alleles (0.00087%); highest among the groups gnomAD compares: Middle Eastern, 0.17%; 1 homozygote.

Submission:

Labcorp Genetics (formerly Invitae), Labcorp
Classification: Uncertain significance for Dilated cardiomyopathy 1JJ. Last evaluated: 2023-11-27. Review status: criteria provided, single submitter. Criteria: Invitae Variant Classification Sherloc (09022015). Collection method: clinical testing. Allele origin: germline.
Comment: This sequence change replaces serine, which is neutral and polar, with threonine, which is neutral and polar, at codon 1245 of the LAMA4 protein (p.Ser1245Thr). This variant is present in population databases (rs782693786, gnomAD 0.006%). This variant has not been reported in the literature in individuals affected with LAMA4-related conditions. ClinVar contains an entry for this variant (Variation ID: 972098). An algorithm developed to predict the effect of missense changes on protein structure and function (PolyPhen-2) suggests that this variant is likely to be disruptive. In summary, the available evidence is currently insufficient to determine the role of this variant in disease. Therefore, it has been classified as a Variant of Uncertain Significance.

NM_001105206.3(LAMA4):c.3754T>A (p.Ser1252Thr)

Gene: LAMA4 (laminin subunit alpha 4; minus strand). Cytogenetic location: 6q21.
Variant type: single nucleotide variant.
Coding change: c.3754T>A on transcript NM_001105206.3 (MANE Select); coding-DNA position 3754, T replaced by A.
Protein change: p.Ser1252Thr; replaces serine 1252 with threonine.
Molecular consequence: missense variant.
Genome position (GRCh38, 1-based): chr6:112,132,833, A>T on the plus strand (T>A on the coding strand, the complement: LAMA4 is on the minus strand). VCF-style: chr6-112132833-A-T. GRCh37 (hg19) VCF-style: chr6-112454035-A-T.
Other names: c.3733T>A, p.Ser1245Thr (NM_001105207.3, NM_002290.5); short protein forms S1252T, S1245T.
Identifiers: ClinVar variation 972098 (VCV000972098.10), dbSNP rs782693786, ClinGen allele CA3965134.